The following is an entry in ClinVar:

NM_001166108.2(PALLD):c.1637G>C (p.Cys546Ser)

Gene: PALLD (palladin, cytoskeletal associated protein; plus strand). Cytogenetic location: 4q32.3.
Variant type: single nucleotide variant.
Coding change: c.1637G>C on transcript NM_001166108.2 (MANE Select); coding-DNA position 1637, G replaced by C.
Protein change: p.Cys546Ser; replaces cysteine 546 with serine.
Molecular consequence: missense variant.
Genome position (GRCh38, 1-based): chr4:168,711,596, G>C. VCF-style: chr4-168711596-G-C. GRCh37 (hg19) VCF-style: chr4-169632747-G-C.
Other names: c.491G>C, p.Cys164Ser (NM_001166109.2); c.1637G>C, p.Cys546Ser (NM_016081.4); short protein forms C164S, C546S.
Identifiers: ClinVar variation 3226748 (VCV003226748.1), dbSNP rs773520153, ClinGen allele CA358797884.

ClinVar aggregate classification (germline): Uncertain significance (1 of 4 stars; one submission).

Submission:

Ambry Genetics
Classification: Uncertain significance. Last evaluated: 2023-12-16. Review status: criteria provided, single submitter. Criteria: Ambry Variant Classification Scheme 2023. Collection method: clinical testing. Allele origin: germline.
Comment: The p.C546S variant (also known as c.1637G>C), located in coding exon 9 of the PALLD gene, results from a G to C substitution at nucleotide position 1637. The cysteine at codon 546 is replaced by serine, an amino acid with dissimilar properties. This amino acid position is conserved. In addition, this alteration is predicted to be tolerated by in silico analysis. Since supporting evidence is limited at this time, the clinical significance of this alteration remains unclear.